The following is an entry in ClinVar:

ClinVar aggregate classification (germline): Benign (1 of 4 stars; one submission).

Conditions:
Succinate-semialdehyde dehydrogenase deficiency (SSADHD). Also called: Succinic Semialdehyde Dehydrogenase Deficiency; 4-HYDROXYBUTYRIC ACIDURIA; GABA METABOLIC DEFECT; SSADH DEFICIENCY. Identifiers: Orphanet 22, MedGen C0268631, MONDO:0010083, OMIM 271980.

Allele frequency attached by ClinVar (database versions not stated): gnomAD 0.00554 and 0.00589; TOPMed 0.00674; 1000 Genomes Project 0.00699; 1000 Genomes Project 30x 0.00765.

Submission:

Illumina Laboratory Services, Illumina
Classification: Benign for Succinate-semialdehyde dehydrogenase deficiency. Last evaluated: 2018-01-12. Review status: criteria provided, single submitter. Criteria: ICSL Variant Classification Criteria 13 December 2019. Collection method: clinical testing. Allele origin: germline.
Comment: This variant was observed in the ICSL laboratory as part of a predisposition screen in an ostensibly healthy population. It had not been previously curated by ICSL or reported in the Human Gene Mutation Database (HGMD: prior to June 1st, 2018), and was therefore a candidate for classification through an automated scoring system. Utilizing variant allele frequency, disease prevalence and penetrance estimates, and inheritance mode, an automated score was calculated to assess if this variant is too frequent to cause the disease. Based on the score and internal cut-off values, a variant classified as benign is not then subjected to further curation. The score for this variant resulted in a classification of benign for this disease.

NM_001080.3(ALDH5A1):c.*2219T>C

Gene: ALDH5A1 (aldehyde dehydrogenase 5 family member A1; plus strand). Cytogenetic location: 6p22.3.
Variant type: single nucleotide variant.
Coding change: c.*2219T>C on transcript NM_001080.3 (MANE Select); 2219 bases downstream of the stop codon, T replaced by C.
Molecular consequence: 3 prime UTR variant.
Genome position (GRCh38, 1-based): chr6:24,535,931, T>C. VCF-style: chr6-24535931-T-C. GRCh37 (hg19) VCF-style: chr6-24536159-T-C.
Other names: c.*2219T>C (NM_001368954.1, NM_170740.1).
Identifiers: ClinVar variation 907659 (VCV000907659.4), dbSNP rs150916849, ClinGen allele CA136115435.